The following is an entry in ClinVar:

NM_000051.4(ATM):c.2483del (p.Lys828fs)

Gene: ATM (ATM serine/threonine kinase; plus strand). Cytogenetic location: 11q22.3.
Variant type: Deletion.
Coding change: c.2483del on transcript NM_000051.4 (MANE Select); coding-DNA position 2483, one base deleted (A; older notation c.2483delA).
Protein change: p.Lys828fs; shifts the reading frame from lysine 828.
Molecular consequence: frameshift variant.
Genome position (GRCh38, 1-based): chr11:108,267,187, A deleted; the last of 5 consecutive A bases (chr11:108,267,183-108,267,187); deleting any one gives the same sequence. VCF-style (leftmost placement, unchanged base first): chr11-108267182-CA-C. GRCh37 (hg19) VCF-style: chr11-108137909-CA-C.
Other names: c.2483delA (NM_000051.3, NM_000051.4); c.2483del, p.Lys828fs (NM_001351834.2); short protein forms K828fs.
Identifiers: ClinVar variation 420009 (VCV000420009.26), dbSNP rs1064794234, ClinGen allele CA16619141.

ClinVar aggregate classification (germline): Pathogenic. Review status: criteria provided, multiple submitters, no conflicts (2 of 4 stars). 12 submissions from 12 submitters: Pathogenic (12). Last evaluated 2025-08-26.
ClinVar aggregate classification (oncogenicity): Oncogenic (1 of 4 stars; one submission).

Conditions:
Hereditary cancer-predisposing syndrome. Also called: Hereditary neoplastic syndrome; Tumor predisposition; Neoplastic Syndromes, Hereditary; Hereditary Cancer Syndrome. Identifiers: Orphanet 140162, MedGen C0027672, MeSH D009386, MONDO:0015356.
Ataxia-telangiectasia syndrome (AT). Also called: ATAXIA-TELANGIECTASIA, COMPLEMENTATION GROUP A; ATAXIA-TELANGIECTASIA, FRESNO VARIANT; Ataxia-telangiectasia; Ataxia-telangiectasia, complementation group D; AT, COMPLEMENTATION GROUP C; Cerebello-oculocutaneous telangiectasia. Identifiers: Orphanet 100, MedGen C0004135, MONDO:0008840, OMIM 208900.
ATM-related cancer predisposition. Also called: ATM-related cancer susceptibility. Identifiers: MedGen CN377759, MONDO:0700270.
Familial cancer of breast. Also called: hereditary breast carcinoma; Hereditary breast cancer; BREAST CANCER, FAMILIAL. Identifiers: Orphanet 227535, MedGen C0346153, MONDO:0016419, OMIM 114480. Disease mechanism: loss of function.
Neoplasm. Also called: Neoplasms; Neoplasm (disease); tumor. Identifiers: MedGen C0027651, MeSH D009369, MONDO:0005070, HP:0002664.

Submissions (13):

Center for Genomic Medicine, Rigshospitalet, Copenhagen University Hospital
Classification: Oncogenic for Neoplasm. Last evaluated: 2026-10-16. Review status: criteria provided, single submitter. Criteria: ClinGen/CGC/VICC Guidelines for Oncogenicity, 2022. Collection method: clinical testing. Allele origin: somatic. Affected: yes.

Institute for Genomic Medicine (IGM) Clinical Laboratory, Nationwide Children's Hospital
Classification: Pathogenic for ATM-related cancer predisposition. Last evaluated: 2025-08-26. Review status: criteria provided, single submitter. Criteria: ACMG Guidelines, 2015. Collection method: clinical testing. Allele origin: germline.
Comment: This variant is predicted to result in loss of function through nonsense-mediated decay of the encoded transcript or premature truncation of the encoded protein in a gene in which loss of function is a known mechanism of disease (ACMG/AMP: PVS1). Well-established functional studies have demonstrated this variant to have a damaging effect on protein function or splicing (ACMG/AMP: PS3; PMID:22071889). This variant has been reported at an elevated frequency in affected individuals/in multiple affected individuals in the literature (ACMG/AMP: PS4_Supporting; PMIDs:28779002, 29915322). This variant is absent from or present at an exceedingly low frequency in gnomAD, a large-scale control population database (ACMG/AMP: PM2). This variant has been observed in trans with a pathogenic variant (ACMG/AMP: PM3; PMID:22071889).

Quest Diagnostics Nichols Institute San Juan Capistrano
Classification: Pathogenic. Last evaluated: 2025-04-25. Review status: criteria provided, single submitter. Criteria: Quest Diagnostics criteria. Collection method: clinical testing. Allele origin: unknown.
Comment: The ATM c.2483del (p.Lys828Serfs*8) variant alters the translational reading frame of the ATM mRNA and causes the premature termination of ATM protein synthesis. This variant has been reported in the published literature in individuals with breast cancer (PMID: 34887416 (2021), 28779002 (2017)) and prostate cancer (PMID: 29915322 (2018)). In a large scale breast cancer association study, this variant has been observed in breast cancer cases but no reportedly unaffected individuals (PMID: 33471991 (2021), see also LOVD). In addition, it has been identified in individuals with ataxia-telangiectasia (A-T) who carried as second ATM variant (PMID: 39636577 (2025), 22071889 (2011)). A cell line derived from a A-T patient with a second ATM variant was found to have reduced ATM transcript and no protein production compared to wild-type (PMID: 22071889 (2011)). This variant has not been reported in large, multi-ethnic general populations (Genome Aggregation Database). Based on the available information, this variant is classified as pathogenic.

Labcorp Genetics (formerly Invitae), Labcorp
Classification: Pathogenic for Ataxia-telangiectasia syndrome. Last evaluated: 2024-11-12. Review status: criteria provided, single submitter. Criteria: Invitae Variant Classification Sherloc (09022015). Collection method: clinical testing. Allele origin: germline.
Comment: This sequence change creates a premature translational stop signal (p.Lys828Serfs*8) in the ATM gene. It is expected to result in an absent or disrupted protein product. Loss-of-function variants in ATM are known to be pathogenic (PMID: 23807571, 25614872). This variant is not present in population databases (gnomAD no frequency). This premature translational stop signal has been observed in individual(s) with ataxia-telangiectasia and breast or prostate cancer (PMID: 22071889, 28779002, 29915322). ClinVar contains an entry for this variant (Variation ID: 420009). For these reasons, this variant has been classified as Pathogenic.

Victorian Clinical Genetics Services, Murdoch Childrens Research Institute
Classification: Pathogenic for Familial cancer of breast. Last evaluated: 2024-10-08. Review status: criteria provided, single submitter. Criteria: ACMG Guidelines, 2015. Collection method: clinical testing. Allele origin: germline. Affected: no.
Comment: This variant is classified as Pathogenic. Evidence in support of pathogenic classification: Variant is predicted to cause nonsense-mediated decay (NMD) and loss of protein (premature termination codon is located at least 54 nucleotides upstream of the final exon-exon junction); Variant is present in gnomAD <0.01 (v4: 12 heterozygote(s), 0 homozygote(s)); This variant has strong previous evidence of pathogenicity in unrelated individuals. This variant has been consistently submitted as pathogenic in ClinVar; Other NMD-predicted variants comparable to the one identified in this case have very strong previous evidence for pathogenicity. Many NMD-predicted variants have been reported as pathogenic or likely pathogenic (ClinVar, DECIPHER). Additional information: This variant is heterozygous; This gene is associated with both recessive and dominant disease. Biallelic variants in this gene result in ataxia-telangiectasia; however, heterozygous carriers of specific pathogenic variants have an increased risk of breast cancer (PMID: 27595995). Germline variants in this gene may also contribute to increased risk of other cancers including gastric, colorectal, and pancreatic cancers; however, the risk is not well-established at this stage (PMIDs: 22585167, 27978560, 26506520); Loss of function is a known mechanism of disease in this gene and is associated with ataxia-telangiectasia (MIM#208900) and susceptibility to breast cancer (MIM#114480). - Variants in this gene are known to have variable expressivity with regard to ataxia-telangiectasia. Variable age of onset and rate of disease progression have been reported for affected individuals within the same family (PMIDs: 20301790, 27884168).

Fulgent Genetics
Classification: Pathogenic for Familial cancer of breast; Ataxia-telangiectasia syndrome. Last evaluated: 2024-02-14. Review status: criteria provided, single submitter. Criteria: ACMG Guidelines, 2015. Collection method: clinical testing. Allele origin: germline.

Myriad Genetics, Inc.
Classification: Pathogenic for Familial cancer of breast. Last evaluated: 2024-01-18. Review status: criteria provided, single submitter. Criteria: Myriad Autosomal Dominant, Autosomal Recessive and X-Linked Classification Criteria (2023). Collection method: clinical testing. Allele origin: unknown.
Comment: This variant is considered pathogenic. This variant creates a frameshift predicted to result in premature protein truncation.

Baylor Genetics
Classification: Pathogenic for Familial cancer of breast. Last evaluated: 2023-11-29. Review status: criteria provided, single submitter. Criteria: ACMG Guidelines, 2015. Collection method: clinical testing. Allele origin: unknown.

Ambry Genetics
Classification: Pathogenic for Hereditary cancer-predisposing syndrome. Last evaluated: 2023-07-27. Review status: criteria provided, single submitter. Criteria: Ambry Variant Classification Scheme 2023. Collection method: clinical testing. Allele origin: germline.
Comment: The c.2483delA pathogenic mutation, located in coding exon 16 of the ATM gene, results from a deletion of one nucleotide at nucleotide position 2483, causing a translational frameshift with a predicted alternate stop codon (p.K828Sfs*8). This variant has been confirmed in trans with an ATM pathogenic variant in an individual diagnosed with ataxia-telangiectasia (Jacquemin V et al. Eur J Hum Genet, 2012 Mar;20:305-12). This alteration has been identified in a cohort of 13087 breast cancer patients as well as a British cohort of 288 prostate cancer patients (Decker B et al. J Med Genet, 2017 Nov;54:732-741; Mijuskovic M et al. Br J Cancer, 2018 Jul;119:96-104). This variant is considered to be rare based on population cohorts in the Genome Aggregation Database (gnomAD). In addition to the clinical data presented in the literature, this alteration is expected to result in loss of function by premature protein truncation or nonsense-mediated mRNA decay. As such, this alteration is interpreted as a disease-causing mutation.

Genetics and Molecular Pathology, SA Pathology
Classification: Pathogenic for Ataxia-telangiectasia syndrome. Last evaluated: 2021-12-16. Review status: criteria provided, single submitter. Criteria: ACMG Guidelines, 2015. Collection method: clinical testing. Allele origin: germline. Affected: yes.

Color Diagnostics, LLC DBA Color Health
Classification: Pathogenic for Hereditary cancer-predisposing syndrome. Last evaluated: 2021-06-14. Review status: criteria provided, single submitter. Criteria: ACMG Guidelines, 2015. Collection method: clinical testing. Allele origin: germline.
Comment: This variant deletes 1 nucleotide in exon 17 of the ATM gene, creating a frameshift and premature translation stop signal. This variant is expected to result in an absent or non-functional protein product. A lymphoblastoid cell line carrying this variant in trans with a nonsense ATM variant has shown no detectable ATM protein (PMID: 22071889). This variant has been reported in individuals affected with breast cancer (PMID: 28779002) or prostate cancer (PMID: 29915322). This variant has not been identified in the general population by the Genome Aggregation Database (gnomAD). Loss of ATM function is a known mechanism of disease. Based on the available evidence, this variant is classified as Pathogenic.

Revvity Omics, Revvity
Classification: Pathogenic for Ataxia-telangiectasia syndrome. Last evaluated: 2020-10-30. Review status: criteria provided, single submitter. Criteria: ACMG Guidelines, 2015. Collection method: clinical testing. Allele origin: germline.

GeneDx
Classification: Pathogenic. Last evaluated: 2016-05-27. Review status: criteria provided, single submitter. Criteria: GeneDx Variant Classification (06012015). Collection method: clinical testing. Allele origin: germline. Affected: yes.
Comment: This deletion of one nucleotide in ATM is denoted c.2483delA at the cDNA level and p.Lys828SerfsX8 (K828SfsX8) at the protein level. The normal sequence, with the base that is deleted in braces, is CAAAA[A]GCCA. The deletion causes a frameshift, which changes a Lysine to a Serine at codon 828, and creates a premature stop codon at position 8 of the new reading frame. This variant is predicted to cause loss of normal protein function through either protein truncation or nonsense-mediated mRNA decay. In addition, functional studies of a cell line harboring ATM c.2483delA in trans with a nonsense variant revealed lack of ATM protein expression and significantly decreased phosphorylation of ATM-dependent targets post-irradiation (Jacquemin 2012). Based on the currently available information, we consider this deletion to be pathogenic.

Literature cited by the submitters: PubMed 22071889 (cited by 3 submitters); PubMed 28779002 (cited by 3 submitters); PubMed 29915322 (cited by 3 submitters); PubMed 23807571 (cited by Labcorp Genetics (formerly Invitae), Labcorp); PubMed 25614872 (cited by Labcorp Genetics (formerly Invitae), Labcorp); PubMed 26506520 (cited by Victorian Clinical Genetics Services, Murdoch Childrens Research Institute); PubMed 27884168 (cited by Victorian Clinical Genetics Services, Murdoch Childrens Research Institute); PubMed 27978560 (cited by Victorian Clinical Genetics Services, Murdoch Childrens Research Institute); PubMed 22585167 (cited by Victorian Clinical Genetics Services, Murdoch Childrens Research Institute); PubMed 27595995 (cited by Victorian Clinical Genetics Services, Murdoch Childrens Research Institute); PubMed 20301790 (cited by Victorian Clinical Genetics Services, Murdoch Childrens Research Institute).